The following is an entry in ClinVar:

NM_198253.3(TERT):c.1908G>A (p.Met636Ile)

Gene: TERT (telomerase reverse transcriptase; minus strand). Cytogenetic location: 5p15.33.
Variant type: single nucleotide variant.
Coding change: c.1908G>A on transcript NM_198253.3 (MANE Select); coding-DNA position 1908, G replaced by A.
Protein change: p.Met636Ile; replaces methionine 636 with isoleucine.
Molecular consequence: missense variant. On other transcripts: non-coding transcript variant (2).
Genome position (GRCh38, 1-based): chr5:1,280,200, C>T on the plus strand (G>A on the coding strand, the complement: TERT is on the minus strand). VCF-style: chr5-1280200-C-T. GRCh37 (hg19) VCF-style: chr5-1280315-C-T.
Other names: c.1908G>A, p.Met636Ile (NM_001193376.3); short protein forms M636I.
Identifiers: ClinVar variation 3805790 (VCV003805790.1).

ClinVar aggregate classification (germline): Uncertain significance (1 of 4 stars; one submission).

Conditions:
Dyskeratosis congenita. Identifiers: Orphanet 1775, MedGen C0265965, MONDO:0015780.

Submission:

Ambry Genetics
Classification: Uncertain significance for Dyskeratosis congenita. Last evaluated: 2025-02-05. Review status: criteria provided, single submitter. Criteria: Ambry Variant Classification Scheme 2023. Collection method: clinical testing. Allele origin: germline.
Comment: The p.M636I variant (also known as c.1908G>A), located in coding exon 4 of the TERT gene, results from a G to A substitution at nucleotide position 1908. The methionine at codon 636 is replaced by isoleucine, an amino acid with highly similar properties. This amino acid position is conserved. In addition, the in silico prediction for this alteration is inconclusive. Based on the available evidence, the clinical significance of this variant remains unclear.